The following is an entry in ClinVar:

NM_152564.5(VPS13B):c.7963G>C (p.Gly2655Arg)

Gene: VPS13B (vacuolar protein sorting 13 homolog B; plus strand). Cytogenetic location: 8q22.2.
Variant type: single nucleotide variant.
Coding change: c.7963G>C on transcript NM_152564.5 (MANE Select); coding-DNA position 7963, G replaced by C.
Protein change: p.Gly2655Arg; replaces glycine 2655 with arginine.
Molecular consequence: missense variant.
Genome position (GRCh38, 1-based): chr8:99,809,396, G>C. VCF-style: chr8-99809396-G-C. GRCh37 (hg19) VCF-style: chr8-100821624-G-C.
Other names: c.8038G>C, p.Gly2680Arg (NM_017890.5); c.7963G>C (NM_152564.4); short protein forms G2655R, G2680R.
Identifiers: ClinVar variation 1019763 (VCV001019763.5), dbSNP rs1433870539, ClinGen allele CA371769553.

ClinVar aggregate classification (germline): Uncertain significance. Review status: criteria provided, single submitter (1 of 4 stars). 2 submissions from 2 submitters: Uncertain significance (1). 1 of the submissions does not count toward it. Last evaluated 2021-09-01.

Conditions:
VPS13B-related disorder. Also called: VPS13B-related condition.
Cohen syndrome (COH1). Also called: Cutis verticis gyrata, retinitis pigmentosa, and sensorineural deafness; PEPPER SYNDROME. Identifiers: Orphanet 193, MedGen C0265223, MONDO:0008999, OMIM 216550.

Allele frequency attached by ClinVar (database versions not stated): gnomAD exomes below 0.00001; TOPMed 0.00001.

Submissions (2):

Labcorp Genetics (formerly Invitae), Labcorp
Classification: Uncertain significance for Cohen syndrome. Last evaluated: 2021-09-01. Review status: criteria provided, single submitter. Criteria: Invitae Variant Classification Sherloc (09022015). Collection method: clinical testing. Allele origin: germline.

PreventionGenetics, part of Exact Sciences
Classification: Uncertain significance for VPS13B-related condition. Last evaluated: 2024-05-13. Review status: no assertion criteria provided. Collection method: clinical testing. Allele origin: germline. Not counted in ClinVar's aggregate classification.
Comment: The VPS13B c.7963G>C variant is predicted to result in the amino acid substitution p.Gly2655Arg. To our knowledge, this variant has not been reported in the literature. This variant is reported in 0.0029% of alleles in individuals of Latino descent in gnomAD. At this time, the clinical significance of this variant is uncertain due to the absence of conclusive functional and genetic evidence.